The following is an entry in ClinVar:

ClinVar aggregate classification (germline): Uncertain significance. Review status: criteria provided, single submitter (1 of 4 stars). 2 submissions from 2 submitters: Uncertain significance (1). 1 of the submissions does not count toward it. Last evaluated 2025-08-01.

Conditions:
EPPK1-related disorder. Also called: EPPK1-related condition.

Allele frequency attached by ClinVar (database versions not stated): gnomAD exomes 0.00022; ExAC 0.00083; ESP Exome Variant Server 0.00152; 1000 Genomes Project 30x 0.00156; gnomAD 0.00215; 1000 Genomes Project 0.00220; TOPMed 0.00246.
gnomAD v4.1: 668 of 1,558,082 alleles (0.043%); highest among the groups gnomAD compares: African/African-American, 0.76%; 4 homozygotes.

Submissions (2):

Ambry Genetics
Classification: Uncertain significance. Last evaluated: 2025-08-01. Review status: criteria provided, single submitter. Criteria: Ambry Variant Classification Scheme 2023. Collection method: clinical testing. Allele origin: germline.

PreventionGenetics, part of Exact Sciences
Classification: Likely benign for EPPK1-related condition. Last evaluated: 2022-08-02. Review status: no assertion criteria provided. Collection method: clinical testing. Allele origin: germline. Not counted in ClinVar's aggregate classification.
Comment: This variant is classified as likely benign based on ACMG/AMP sequence variant interpretation guidelines (Richards et al. 2015 PMID: 25741868, with internal and published modifications).

NM_031308.4(EPPK1):c.3697G>A (p.Ala1233Thr)

Gene: EPPK1 (epiplakin 1; minus strand). Cytogenetic location: 8q24.3.
Variant type: single nucleotide variant.
Coding change: c.3697G>A on transcript NM_031308.4 (MANE Select); coding-DNA position 3697, G replaced by A.
Protein change: p.Ala1233Thr; replaces alanine 1233 with threonine.
Molecular consequence: missense variant.
Genome position (GRCh38, 1-based): chr8:143,869,557, C>T on the plus strand (G>A on the coding strand, the complement: EPPK1 is on the minus strand). VCF-style: chr8-143869557-C-T. GRCh37 (hg19) VCF-style: chr8-144943725-C-T.
Other names: c.3697G>A (NM_031308.1); short protein forms A1233T.
Identifiers: ClinVar variation 3039453 (VCV003039453.3), dbSNP rs149888978, ClinGen allele CA4922712.
Genomic context (GRCh38, chr8:143,869,557, plus strand): 5'-GCAGCACACCGGCCACGCAGCCTGTGCCCCACAGGCAGGCCTTCACCGCCGGCTGCTCGG[C>T]GACCTGGGCGGGCGACTGCGTGCCCTGAGCCAGGGCCTCAAGGGTCTCCTGGGTGATGAT-3'
Protein context (NP_112598.3, residues 1223-1243): AQGTQSPAQV[Ala1233Thr]EQPAVKACLW